The following is an entry in ClinVar:

ClinVar aggregate classification (germline): Likely benign. Review status: criteria provided, single submitter (1 of 4 stars). 2 submissions from 2 submitters: Likely benign (1). 1 of the submissions does not count toward it. Last evaluated 2025-10-01.

Conditions:
NPHP4-related disorder. Also called: NPHP4-related disorders; NPHP4-related condition. Identifiers: MedGen CN239384.
Nephronophthisis. Also called: Juvenile Nephronophthisis. Identifiers: Orphanet 655, MedGen C0687120, MONDO:0019005, HP:0000090.

Allele frequency attached by ClinVar (database versions not stated): gnomAD 0.00003 and 0.00004; TOPMed 0.00006.
gnomAD v4.1: 9 of 1,613,790 alleles (0.00056%); highest among the groups gnomAD compares: African/African-American, 0.0093%; no homozygotes.

Submissions (2):

Labcorp Genetics (formerly Invitae), Labcorp
Classification: Likely benign for Nephronophthisis. Last evaluated: 2025-10-01. Review status: criteria provided, single submitter. Criteria: Invitae Variant Classification Sherloc (09022015). Collection method: clinical testing. Allele origin: germline.

PreventionGenetics, part of Exact Sciences
Classification: Likely benign for NPHP4-related condition. Last evaluated: 2022-08-23. Review status: no assertion criteria provided. Collection method: clinical testing. Allele origin: germline. Not counted in ClinVar's aggregate classification.
Comment: This variant is classified as likely benign based on ACMG/AMP sequence variant interpretation guidelines (Richards et al. 2015 PMID: 25741868, with internal and published modifications).

NM_015102.5(NPHP4):c.4101C>T (p.Asp1367=)

Gene: NPHP4 (nephrocystin 4; minus strand). Cytogenetic location: 1p36.31.
Variant type: single nucleotide variant.
Coding change: c.4101C>T on transcript NM_015102.5 (MANE Select); coding-DNA position 4101, C replaced by T.
Protein change: p.Asp1367=; no amino-acid change (aspartic acid 1367 retained).
Molecular consequence: synonymous variant. On other transcripts: non-coding transcript variant (1).
Genome position (GRCh38, 1-based): chr1:5,863,929, G>A on the plus strand (C>T on the coding strand, the complement: NPHP4 is on the minus strand). VCF-style: chr1-5863929-G-A. GRCh37 (hg19) VCF-style: chr1-5923989-G-A.
Other names: c.4101C>T (NM_015102.4); c.2562C>T, p.Asp854= (NM_001291593.2); c.2565C>T, p.Asp855= (NM_001291594.2).
Identifiers: ClinVar variation 1135703 (VCV001135703.11), dbSNP rs985774455, ClinGen allele CA17124844.